The following is an entry in ClinVar:

ClinVar aggregate classification (germline): Likely pathogenic (1 of 4 stars; one submission).

Conditions:
VPS13A-related neurodegenerative disease. Also called: VPS13A Disease; Choreaacanthocytosis; LEVINE-CRITCHLEY SYNDROME; ACANTHOCYTOSIS WITH NEUROLOGIC DISORDER; Choreoacanthocytosis; Chorea-acanthocytosis. Identifiers: Orphanet 2388, MedGen C0393576, MONDO:0008695, OMIM 200150.

Submission:

Neuberg Centre For Genomic Medicine, NCGM
Classification: Likely pathogenic for VPS13A-related neurodegenerative disease. Review status: criteria provided, single submitter. Criteria: ACMG Guidelines, 2015. Collection method: clinical testing. Allele origin: germline. Inheritance: Autosomal recessive inheritance. Affected: yes.
Comment: The observed frameshift c.5247dup (p.Arg1750ThrfsTer20) variant in VPS13A gene has not been reported previously as a pathogenic variant nor as a benign variant, to our knowledge. The p.Arg1750ThrfsTer20 variant is absent in gnomAD Exomes. This variant has not been submitted to the ClinVar database. This variant causes a frameshift starting with codon Arginine 1750, changes this amino acid to Threonine residue, and creates a premature Stop codon at position 20 of the new reading frame, denoted p.Arg1750ThrfsTer20. This variant is predicted to cause loss of normal protein function through protein truncation. Loss of function variants have been previously reported to be disease causing. Functional studies are required to prove the pathogenicity for the variant, for these reasons, this variant has been classified as Likely Pathogenic.

NM_033305.3(VPS13A):c.5247dup (p.Arg1750fs)

Gene: VPS13A (vacuolar protein sorting 13 homolog A; plus strand). Cytogenetic location: 9q21.2.
Variant type: Duplication.
Coding change: c.5247dup on transcript NM_033305.3 (MANE Select); coding-DNA position 5247, one base duplicated (A; older notation c.5247dupA).
Protein change: p.Arg1750fs; shifts the reading frame from arginine 1750.
Molecular consequence: frameshift variant.
Genome position (GRCh38, 1-based): chr9:77,318,525, A duplicated. VCF-style (leftmost placement, unchanged base first): chr9-77318524-C-CA. GRCh37 (hg19) VCF-style: chr9-79933440-C-CA.
Other names: c.5130dup, p.Arg1711fs (NM_001018037.2); c.5247dup, p.Arg1750fs (NM_001018038.3, NM_015186.4); short protein forms R1711fs, R1750fs.
Identifiers: ClinVar variation 3603266 (VCV003603266.1).
Genomic context (GRCh38, chr9:77,318,524, plus strand): 5'-TTTTTATAGTTCTTGAGGCTGGAATTGGTCATAGAACAGTACCTATGCTTCTGGCAAAGT[C>CA]ACGTTTTTCAGGGGAAGGCAAAAACTGGAGTTCCCTAATAAATCTGCACTGTCAGCTTGA-3'